The following is an entry in ClinVar:

ClinVar aggregate classification (germline): Uncertain significance (1 of 4 stars; one submission).

Conditions:
Chédiak-Higashi syndrome (CHS). Also called: Chediak-Higashi Syndrome. Identifiers: Orphanet 167, MedGen C0007965, MONDO:0008963, OMIM 214500.

gnomAD v4.1: 3 of 1,613,570 alleles (0.00019%); highest among the groups gnomAD compares: Admixed American, 0.005%; no homozygotes.

Submission:

Labcorp Genetics (formerly Invitae), Labcorp
Classification: Uncertain significance for Chédiak-Higashi syndrome. Last evaluated: 2022-06-23. Review status: criteria provided, single submitter. Criteria: Invitae Variant Classification Sherloc (09022015). Collection method: clinical testing. Allele origin: germline.
Comment: This sequence change replaces isoleucine, which is neutral and non-polar, with leucine, which is neutral and non-polar, at codon 2052 of the LYST protein (p.Ile2052Leu). This variant is present in population databases (no rsID available, gnomAD 0.01%). This variant has not been reported in the literature in individuals affected with LYST-related conditions. Algorithms developed to predict the effect of missense changes on protein structure and function output the following: SIFT: "Tolerated"; PolyPhen-2: "Possibly Damaging"; Align-GVGD: "Class C0". The leucine amino acid residue is found in multiple mammalian species, which suggests that this missense change does not adversely affect protein function. In summary, the available evidence is currently insufficient to determine the role of this variant in disease. Therefore, it has been classified as a Variant of Uncertain Significance.

NM_000081.4(LYST):c.6154A>C (p.Ile2052Leu)

Gene: LYST (lysosomal trafficking regulator; minus strand). Cytogenetic location: 1q42.3.
Variant type: single nucleotide variant.
Coding change: c.6154A>C on transcript NM_000081.4 (MANE Select); coding-DNA position 6154, A replaced by C.
Protein change: p.Ile2052Leu; replaces isoleucine 2052 with leucine.
Molecular consequence: missense variant.
Genome position (GRCh38, 1-based): chr1:235,762,819, T>G on the plus strand (A>C on the coding strand, the complement: LYST is on the minus strand). VCF-style: chr1-235762819-T-G. GRCh37 (hg19) VCF-style: chr1-235926119-T-G.
Other names: c.6154A>C, p.Ile2052Leu (NM_001301365.1); short protein forms I2052L.
Identifiers: ClinVar variation 1909902 (VCV001909902.2), dbSNP rs528647541, ClinGen allele CA344945641.